The following is an entry in ClinVar:

ClinVar aggregate classification (germline): Pathogenic. Review status: criteria provided, multiple submitters, no conflicts (2 of 4 stars). 2 submissions from 2 submitters: Pathogenic (2). Last evaluated 2025-08-28.

Submissions (2):

Dasa
Classification: Pathogenic. Last evaluated: 2025-08-28. Review status: criteria provided, single submitter. Criteria: DASA Assertion Criteria. Collection method: clinical testing. Allele origin: germline.
Comment: NM_005559.4(LAMA1):c.3888T>G (p.Tyr1296*) introduces a premature termination codon predicted to result in loss of normal protein function. Loss-of-function is an established mechanism of disease for this gene. The variant is present at low frequency in population datasets. Based on the available data, this variant is classified as pathogenic.

Labcorp Genetics (formerly Invitae), Labcorp
Classification: Pathogenic. Last evaluated: 2025-01-06. Review status: criteria provided, single submitter. Criteria: Invitae Variant Classification Sherloc (09022015). Collection method: clinical testing. Allele origin: germline.
Comment: This sequence change creates a premature translational stop signal (p.Tyr1296*) in the LAMA1 gene. It is expected to result in an absent or disrupted protein product. Loss-of-function variants in LAMA1 are known to be pathogenic (PMID: 25105227, 26932191). This variant is not present in population databases (gnomAD no frequency). This variant has not been reported in the literature in individuals affected with LAMA1-related conditions. For these reasons, this variant has been classified as Pathogenic.

Literature cited by the submitters: PubMed 25105227 (cited by Labcorp Genetics (formerly Invitae), Labcorp); PubMed 26932191 (cited by Labcorp Genetics (formerly Invitae), Labcorp).

NM_005559.4(LAMA1):c.3888T>G (p.Tyr1296Ter)

Gene: LAMA1 (laminin subunit alpha 1; minus strand). Cytogenetic location: 18p11.31.
Variant type: single nucleotide variant.
Coding change: c.3888T>G on transcript NM_005559.4 (MANE Select); coding-DNA position 3888, T replaced by G.
Protein change: p.Tyr1296Ter; replaces tyrosine 1296 with a stop codon.
Molecular consequence: nonsense.
Genome position (GRCh38, 1-based): chr18:7,009,352, A>C on the plus strand (T>G on the coding strand, the complement: LAMA1 is on the minus strand). VCF-style: chr18-7009352-A-C. GRCh37 (hg19) VCF-style: chr18-7009351-A-C.
Other names: short protein forms Y1296*.
Identifiers: ClinVar variation 3633028 (VCV003633028.3).